The following is an entry in ClinVar:

NM_001283009.2(RTEL1):c.2413+4C>G

Genes: RTEL1 (regulator of telomere elongation helicase 1; plus strand), RTEL1-TNFRSF6B (RTEL1-TNFRSF6B readthrough (NMD candidate); plus strand). Cytogenetic location: 20q13.33.
Variant type: single nucleotide variant.
Coding change: c.2413+4C>G on transcript NM_001283009.2 (MANE Select); 4 bases into the intron after coding-DNA position 2413, C replaced by G.
Molecular consequence: intron variant.
Genome position (GRCh38, 1-based): chr20:63,690,445, C>G. VCF-style: chr20-63690445-C-G. GRCh37 (hg19) VCF-style: chr20-62321798-C-G.
Other names: c.1744+4C>G (NM_001283010.1); c.2485+4C>G (NM_032957.5); c.2413+4C>G (NM_016434.4).
Identifiers: ClinVar variation 2171611 (VCV002171611.1), dbSNP rs761756257, ClinGen allele CA9965316.

ClinVar aggregate classification (germline): Uncertain significance (1 of 4 stars; one submission).

Conditions:
Dyskeratosis congenita, autosomal recessive 5 (DKCB5). Identifiers: MedGen C3554656, MONDO:0014076, OMIM 615190.
Pulmonary fibrosis and/or bone marrow failure, Telomere-related, 3. Also called: PULMONARY FIBROSIS AND/OR BONE MARROW FAILURE SYNDROME, TELOMERE-RELATED, 3. Identifiers: Orphanet 2032, MedGen C4225346, MONDO:0014613, OMIM 616373.

gnomAD v4.1: 26 of 1,240,108 alleles (0.0021%); highest among the groups gnomAD compares: East Asian, 0.13%; no homozygotes.

Submission:

Labcorp Genetics (formerly Invitae), Labcorp
Classification: Uncertain significance for Dyskeratosis congenita, autosomal recessive 5; Pulmonary fibrosis and/or bone marrow failure, Telomere-related, 3. Last evaluated: 2022-07-19. Review status: criteria provided, single submitter. Criteria: Invitae Variant Classification Sherloc (09022015). Collection method: clinical testing. Allele origin: germline.
Comment: This sequence change falls in intron 26 of the RTEL1 gene. It does not directly change the encoded amino acid sequence of the RTEL1 protein. It affects a nucleotide within the consensus splice site. This variant is present in population databases (rs761756257, gnomAD 0.006%). This variant has not been reported in the literature in individuals affected with RTEL1-related conditions. Variants that disrupt the consensus splice site are a relatively common cause of aberrant splicing (PMID: 17576681, 9536098). Algorithms developed to predict the effect of sequence changes on RNA splicing suggest that this variant is not likely to affect RNA splicing. In summary, the available evidence is currently insufficient to determine the role of this variant in disease. Therefore, it has been classified as a Variant of Uncertain Significance.

Literature cited by the submitters: PubMed 17576681; PubMed 9536098.